The following is an entry in ClinVar:

ClinVar aggregate classification (germline): Pathogenic (1 of 4 stars; one submission).

Conditions:
Trichorhinophalangeal dysplasia type I (TRPS1). Also called: TRICHORHINOPHALANGEAL SYNDROME, TYPE I; TRPS I. Identifiers: Orphanet 77258, MedGen C0432233, MONDO:0008596, OMIM 190350.

Submission:

Laboratoire Génétique Moléculaire, CHRU TOURS
Classification: Pathogenic for Trichorhinophalangeal dysplasia type I. Last evaluated: 2023-06-19. Review status: criteria provided, single submitter. Criteria: ACMG Guidelines, 2015. Collection method: clinical testing. Allele origin: unknown. Affected: yes.
Comment: PVS1;PM2;PP4

NM_014112.5(TRPS1):c.1171_1172del (p.Asn391fs)

Gene: TRPS1 (transcriptional repressor GATA binding 1; minus strand). Cytogenetic location: 8q23.3.
Variant type: Deletion.
Coding change: c.1171_1172del on transcript NM_014112.5 (MANE Select); coding-DNA positions 1171 to 1172, 2 bases deleted (AA; older notation c.1171_1172delAA).
Protein change: p.Asn391fs; shifts the reading frame from asparagine 391.
Molecular consequence: frameshift variant.
Genome position (GRCh38, 1-based): chr8:115,604,797-115,604,798, TT deleted on the plus strand (AA on the coding strand, the reverse complement: TRPS1 is on the minus strand); deleting any 2 consecutive bases within chr8:115,604,797-115,604,801 gives the same sequence; the c. name uses the placement nearest the transcript's 3' end. VCF-style (leftmost placement, unchanged base first): chr8-115604796-GTT-G. GRCh37 (hg19) VCF-style: chr8-116617023-GTT-G.
Other names: c.1144_1145del, p.Asn382fs (NM_001282902.3); c.1150_1151del, p.Asn384fs (NM_001282903.3); c.1132_1133del, p.Asn378fs (NM_001330599.2); short protein forms N382fs, N384fs, N391fs, N378fs.
Identifiers: ClinVar variation 4294362 (VCV004294362.1).
Genomic context (GRCh38, chr8:115,604,796, plus strand): 5'-CTGCCATTTTCCCAAGTCTCCAGAATCACTGGATTGAAGTGCAGGGATGGACTTGTTAGA[GTT>G]TTTCTCTGAAGGTTTTGCAACCTCAGAGGAGGGGAGAGAAGCTTTTATTTTGTTTGGGTG-3'